The following is an entry in ClinVar:

NM_004247.4(EFTUD2):c.1266G>T (p.Lys422Asn)

Gene: EFTUD2 (elongation factor Tu GTP binding domain containing 2; minus strand). Cytogenetic location: 17q21.31.
Variant type: single nucleotide variant.
Coding change: c.1266G>T on transcript NM_004247.4 (MANE Select); coding-DNA position 1266, G replaced by T.
Protein change: p.Lys422Asn; replaces lysine 422 with asparagine.
Molecular consequence: missense variant.
Genome position (GRCh38, 1-based): chr17:44,864,949, C>A on the plus strand (G>T on the coding strand, the complement: EFTUD2 is on the minus strand). VCF-style: chr17-44864949-C-A. GRCh37 (hg19) VCF-style: chr17-42942317-C-A.
Other names: c.1161G>T, p.Lys387Asn (NM_001142605.2); c.1266G>T, p.Lys422Asn (NM_001258353.2); c.1236G>T, p.Lys412Asn (NM_001258354.2); short protein forms K422N, K387N, K412N.
Identifiers: ClinVar variation 2854269 (VCV002854269.3), dbSNP rs764317383, ClinGen allele CA290990583.

ClinVar aggregate classification (germline): Uncertain significance (1 of 4 stars; one submission).

Submission:

Labcorp Genetics (formerly Invitae), Labcorp
Classification: Uncertain significance. Last evaluated: 2023-08-24. Review status: criteria provided, single submitter. Criteria: Invitae Variant Classification Sherloc (09022015). Collection method: clinical testing. Allele origin: germline.
Comment: In summary, the available evidence is currently insufficient to determine the role of this variant in disease. Therefore, it has been classified as a Variant of Uncertain Significance. Advanced modeling of protein sequence and biophysical properties (such as structural, functional, and spatial information, amino acid conservation, physicochemical variation, residue mobility, and thermodynamic stability) performed at Invitae indicates that this missense variant is not expected to disrupt EFTUD2 protein function. This variant has not been reported in the literature in individuals affected with EFTUD2-related conditions. This variant is not present in population databases (gnomAD no frequency). This sequence change replaces lysine, which is basic and polar, with asparagine, which is neutral and polar, at codon 422 of the EFTUD2 protein (p.Lys422Asn).